The following is an entry in ClinVar:

NM_005612.5(REST):c.2581TCACCACCA[1] (p.861SPP[1])

Gene: REST (RE1 silencing transcription factor; plus strand). Cytogenetic location: 4q12.
Variant type: Microsatellite.
Coding change: c.2581TCACCACCA[1] on transcript NM_005612.5 (MANE Select); one copy of the 9-base unit TCACCACCA starting at c.2581; the reference has two copies in a row; one copy, 9 bases deleted.
Protein change: p.861SPP[1].
Molecular consequence: inframe deletion. On other transcripts: inframe indel (2).
Genome position (GRCh38, 1-based): chr4:56,931,448-56,931,456, TCACCACCA deleted; deleting any 9 consecutive bases within chr4:56,931,439-56,931,456 gives the same sequence; the position shown is the placement nearest the transcript's 3' end. VCF-style (leftmost placement, unchanged base first): chr4-56931438-CTCACCACCA-C. GRCh37 (hg19) VCF-style: chr4-57797604-CTCACCACCA-C.
Other names: c.2581_2589TCACCACCA[1], p.Ser864_Pro866del (NM_001193508.2, NM_001363453.3).
Identifiers: ClinVar variation 1009542 (VCV001009542.8), dbSNP rs763567954, ClinGen allele CA2932518.
Genomic context (GRCh38, chr4:56,931,438, plus strand): 5'-TGGCTTAGTGCCTGTTAAAGATAGCTGGCTTCTAAAGGAAAGTGTAAGCACAGAGGATCT[CTCACCACCA>C]TCACCACCACTGCCAAAGGAAAATTTAAGAGAAGAGGCATCAGGAGACCAAAAATTACTC-3'

ClinVar aggregate classification (germline): Uncertain significance (1 of 4 stars; one submission).

Submission:

Labcorp Genetics (formerly Invitae), Labcorp
Classification: Uncertain significance. Last evaluated: 2020-06-28. Review status: criteria provided, single submitter. Criteria: Invitae Variant Classification Sherloc (09022015). Collection method: clinical testing. Allele origin: germline.
Comment: In summary, the available evidence is currently insufficient to determine the role of this variant in disease. Therefore, it has been classified as a Variant of Uncertain Significance. Experimental studies and prediction algorithms are not available or were not evaluated, and the functional significance of this variant is currently unknown. This variant has not been reported in the literature in individuals with REST-related conditions. This variant is present in population databases (rs763567954, ExAC 0.02%). This variant, c.2590_2598del, results in the deletion of 3 amino acids of the REST protein (p.Ser864_Pro866del), but otherwise preserves the integrity of the reading frame.